The following is an entry in ClinVar:

ClinVar aggregate classification (germline): Uncertain significance (1 of 4 stars; one submission).

Conditions:
Neurodevelopmental disorder. Identifiers: MedGen C1535926, MeSH D065886, MONDO:0700092.

Submission:

Victorian Clinical Genetics Services, Murdoch Childrens Research Institute
Classification: Uncertain significance for Neurodevelopmental disorder. Last evaluated: 2023-07-16. Review status: criteria provided, single submitter. Criteria: ACMG Guidelines, 2015. Collection method: clinical testing. Allele origin: germline. Inheritance: Autosomal dominant inheritance. Affected: yes.
Comment: Based on the classification scheme VCGS_Germline_v1.3.4, this variant is classified as VUS-3B. Following criteria are met: 0105 - The mechanism of disease for this gene is not clearly established. However functional evidence has demonstrated some missense variants have a gain of function effect, a dominant negative effect, or both (PMID: 32415109). (I) 0107 - This gene is associated with autosomal dominant disease. (I) 0201 - Variant is predicted to cause nonsense-mediated decay (NMD) and loss of protein (premature termination codon is located at least 54 nucleotides upstream of the final exon-exon junction). (SP) 0251 - This variant is heterozygous. (I) 0301 - Variant is absent from gnomAD (both v2 and v3). (SP) 0710 - Other NMD predicted variants comparable to the one identified in this case have inconclusive previous evidence for pathogenicity. p.(Lys573AsnfsTer58) has been classified as a VUS by a clinical laboratory in Clinvar, and p.(Asn988Serfs*4) has been observed as de novo in an individual with mild developmental delay and hypotonia in the literature (PMID: 32415109). (I) 0807 - This variant has no previous evidence of pathogenicity. (I) 0905 - No published segregation evidence has been identified for this variant. (I) 1007 - No published functional evidence has been identified for this variant. (I) 1208 - Inheritance information for this variant is not currently available in this individual. (I) Legend: (SP) - Supporting pathogenic, (I) - Information, (SB) - Supporting benign

Literature cited by the submitters: PubMed 32415109.

NM_001252102.2(KIF21B):c.4670_4671insT (p.Met1559fs)

Gene: KIF21B (kinesin family member 21B; minus strand). Cytogenetic location: 1q32.1.
Variant type: Insertion.
Coding change: c.4670_4671insT on transcript NM_001252102.2 (MANE Select); coding-DNA positions 4670 to 4671, T inserted.
Protein change: p.Met1559fs; shifts the reading frame from methionine 1559.
Molecular consequence: frameshift variant.
Genome position: GRCh38 VCF-style: chr1-200974857-G-GA. GRCh37 (hg19) VCF-style: chr1-200943985-G-GA.
Other names: c.4670_4671insT, p.Met1559fs (NM_001252100.2); c.4631_4632insT, p.Met1546fs (NM_001252103.2, NM_017596.4); short protein forms M1546fs, M1559fs.
Identifiers: ClinVar variation 3254547 (VCV003254547.1), dbSNP rs2465113887.